The following is an entry in ClinVar:

NM_001385.3(DPYS):c.1469dup (p.Ala491fs)

Gene: DPYS (dihydropyrimidinase; minus strand). Cytogenetic location: 8q22.3.
Variant type: Duplication.
Coding change: c.1469dup on transcript NM_001385.3 (MANE Select); coding-DNA position 1469, one base duplicated (G; older notation c.1469dupG).
Protein change: p.Ala491fs; shifts the reading frame from alanine 491.
Molecular consequence: frameshift variant.
Genome position (GRCh38, 1-based): chr8:104,381,289, C duplicated on the plus strand (G on the coding strand, the reverse complement: DPYS is on the minus strand). VCF-style (leftmost placement, unchanged base first): chr8-104381288-A-AC. GRCh37 (hg19) VCF-style: chr8-105393516-A-AC.
Other names: short protein forms A491fs.
Identifiers: ClinVar variation 1453559 (VCV001453559.6), dbSNP rs2140496185, ClinGen allele CA2573142784.

ClinVar aggregate classification (germline): Pathogenic (1 of 4 stars; one submission).

Submission:

Labcorp Genetics (formerly Invitae), Labcorp
Classification: Pathogenic. Last evaluated: 2022-10-17. Review status: criteria provided, single submitter. Criteria: Invitae Variant Classification Sherloc (09022015). Collection method: clinical testing. Allele origin: germline.
Comment: For these reasons, this variant has been classified as Pathogenic. ClinVar contains an entry for this variant (Variation ID: 1453559). This variant has not been reported in the literature in individuals affected with DPYS-related conditions. This variant is not present in population databases (gnomAD no frequency). This sequence change creates a premature translational stop signal (p.Ala491Cysfs*4) in the DPYS gene. It is expected to result in an absent or disrupted protein product. Loss-of-function variants in DPYS are known to be pathogenic (PMID: 20362666).

Literature cited by the submitters: PubMed 20362666.